The following is an entry in ClinVar:

NM_001130823.3(DNMT1):c.151G>A (p.Glu51Lys)

Gene: DNMT1 (DNA methyltransferase 1; minus strand). Cytogenetic location: 19p13.2.
Variant type: single nucleotide variant.
Coding change: c.151G>A on transcript NM_001130823.3 (MANE Select); coding-DNA position 151, G replaced by A.
Protein change: p.Glu51Lys; replaces glutamic acid 51 with lysine.
Molecular consequence: missense variant. On other transcripts: 5 prime UTR variant (1).
Genome position (GRCh38, 1-based): chr19:10,180,852, C>T on the plus strand (G>A on the coding strand, the complement: DNMT1 is on the minus strand). VCF-style: chr19-10180852-C-T. GRCh37 (hg19) VCF-style: chr19-10291528-C-T.
Other names: c.151G>A, p.Glu51Lys (NM_001318730.2, NM_001379.4); c.-173G>A (NM_001318731.2); short protein forms E51K.
Identifiers: ClinVar variation 972005 (VCV000972005.15), dbSNP rs755995375, ClinGen allele CA9188822.

ClinVar aggregate classification (germline): Conflicting classifications of pathogenicity. Review status: criteria provided, conflicting classifications (1 of 4 stars). 3 submissions from 3 submitters: Uncertain significance (2); Likely benign (1). Last evaluated 2025-08-17.

Conditions:
Hereditary sensory neuropathy-deafness-dementia syndrome. Also called: NEUROPATHY, HEREDITARY SENSORY, WITH HEARING LOSS AND DEMENTIA; Hereditary sensory neuropathy type IE; Hereditary Sensory and Autonomic Neuropathy Type 1E (HSAN1E); HSN IE. Identifiers: Orphanet 456318, MedGen C3279885, MONDO:0013584, OMIM 614116.

Allele frequency attached by ClinVar (database versions not stated): TOPMed below 0.00001; gnomAD 0.00001; gnomAD exomes 0.00001 and 0.00002; ExAC 0.00002.
gnomAD v4.1: 31 of 1,613,986 alleles (0.0019%); highest among the groups gnomAD compares: Non-Finnish European, 0.0025%; no homozygotes.

Submissions (3):

Labcorp Genetics (formerly Invitae), Labcorp
Classification: Likely benign for Hereditary sensory neuropathy-deafness-dementia syndrome. Last evaluated: 2025-08-17. Review status: criteria provided, single submitter. Criteria: Invitae Variant Classification Sherloc (09022015). Collection method: clinical testing. Allele origin: germline.

GeneDx
Classification: Uncertain significance. Last evaluated: 2023-11-30. Review status: criteria provided, single submitter. Criteria: GeneDx Variant Classification Process June 2021. Collection method: clinical testing. Allele origin: germline. Affected: yes.
Comment: Not observed at significant frequency in large population cohorts (gnomAD); In silico analysis supports that this missense variant does not alter protein structure/function; Has not been previously published as pathogenic or benign to our knowledge

Mayo Clinic Laboratories, Mayo Clinic
Classification: Uncertain significance. Last evaluated: 2019-08-17. Review status: criteria provided, single submitter. Criteria: ACMG Guidelines, 2015. Collection method: clinical testing. Allele origin: germline. Observed: 1 variant allele.